The following is an entry in ClinVar:

NM_005359.6(SMAD4):c.240G>C (p.Gly80=)

Gene: SMAD4 (SMAD family member 4; plus strand). Cytogenetic location: 18q21.2.
Variant type: single nucleotide variant.
Coding change: c.240G>C on transcript NM_005359.6 (MANE Select); coding-DNA position 240, G replaced by C.
Protein change: p.Gly80=; no amino-acid change (glycine 80 retained).
Molecular consequence: synonymous variant. On other transcripts: non-coding transcript variant (2).
Genome position (GRCh38, 1-based): chr18:51,047,286, G>C. VCF-style: chr18-51047286-G-C. GRCh37 (hg19) VCF-style: chr18-48573656-G-C.
Other names: c.240G>C, p.Gly80= (NM_001407041.1, NM_001407042.1, NM_001407043.1).
Identifiers: ClinVar variation 3445840 (VCV003445840.2).

ClinVar aggregate classification (germline): Benign/Likely benign. Review status: criteria provided, multiple submitters, no conflicts (2 of 4 stars). 2 submissions from 2 submitters: Benign (1); Likely benign (1). Last evaluated 2025-03-18.

Conditions:
Juvenile polyposis/hereditary hemorrhagic telangiectasia syndrome (JPHT). Also called: JP/HHT SYNDROME; JUVENILE POLYPOSIS WITH HEREDITARY HEMORRHAGIC TELANGIECTASIA; POLYPOSIS, GENERALIZED JUVENILE, WITH PULMONARY ARTERIOVENOUS MALFORMATION; TELANGIECTASIA, HEREDITARY HEMORRHAGIC, WITH JUVENILE POLYPOSIS COLI; Juvenile Polyposis Syndrome / Hereditary Hemorrhagic Telangiectasia (JPS/HHT). Identifiers: Orphanet 2929, MedGen C1832942, MONDO:0008278, OMIM 175050.
Familial thoracic aortic aneurysm and aortic dissection (TAAD). Also called: Thoracic aortic aneurysms and dissections. Identifiers: Orphanet 91387, MedGen C4707243, MONDO:0019625.
Hereditary cancer-predisposing syndrome. Also called: Neoplastic Syndromes, Hereditary; Tumor predisposition; Hereditary neoplastic syndrome; Hereditary Cancer Syndrome. Identifiers: Orphanet 140162, MedGen C0027672, MeSH D009386, MONDO:0015356.

Submissions (2):

Myriad Genetics, Inc.
Classification: Benign for Juvenile polyposis/hereditary hemorrhagic telangiectasia syndrome. Last evaluated: 2025-03-18. Review status: criteria provided, single submitter. Criteria: Myriad Autosomal Dominant, Autosomal Recessive and X-Linked Classification Criteria (2023). Collection method: clinical testing. Allele origin: unknown.
Comment: This variant is considered benign. This variant is a silent/synonymous amino acid change and it is not expected to impact splicing.

Ambry Genetics
Classification: Likely benign for Hereditary cancer-predisposing syndrome; Familial thoracic aortic aneurysm and aortic dissection. Last evaluated: 2024-07-02. Review status: criteria provided, single submitter. Criteria: Ambry Variant Classification Scheme 2023. Collection method: clinical testing. Allele origin: germline.